The following is an entry in ClinVar:

NM_000918.4(P4HB):c.730-1G>A

Gene: P4HB (prolyl 4-hydroxylase subunit beta; minus strand). Cytogenetic location: 17q25.3.
Variant type: single nucleotide variant.
Coding change: c.730-1G>A on transcript NM_000918.4 (MANE Select); the canonical splice acceptor site of the intron before coding-DNA position 730, G replaced by A.
Molecular consequence: splice acceptor variant.
Genome position (GRCh38, 1-based): chr17:81,847,073, C>T on the plus strand (G>A on the coding strand, the complement: P4HB is on the minus strand). VCF-style: chr17-81847073-C-T. GRCh37 (hg19) VCF-style: chr17-79804949-C-T.
Identifiers: ClinVar variation 2848891 (VCV002848891.3), dbSNP rs2509951568, ClinGen allele CA401511629.

ClinVar aggregate classification (germline): Uncertain significance (1 of 4 stars; one submission).

Submission:

Labcorp Genetics (formerly Invitae), Labcorp
Classification: Uncertain significance. Last evaluated: 2023-09-22. Review status: criteria provided, single submitter. Criteria: Invitae Variant Classification Sherloc (09022015). Collection method: clinical testing. Allele origin: germline.
Comment: In summary, the available evidence is currently insufficient to determine the role of this variant in disease. Therefore, it has been classified as a Variant of Uncertain Significance. Algorithms developed to predict the effect of sequence changes on RNA splicing suggest that this variant may disrupt the consensus splice site. This variant has not been reported in the literature in individuals affected with P4HB-related conditions. This variant is not present in population databases (gnomAD no frequency). This sequence change affects an acceptor splice site in intron 5 of the P4HB gene. It is expected to disrupt RNA splicing. Variants that disrupt the donor or acceptor splice site typically lead to a loss of protein function (PMID: 16199547), however the current clinical and genetic evidence is not sufficient to establish whether loss-of-function variants in P4HB cause disease.

Literature cited by the submitters: PubMed 16199547.